The following is an entry in ClinVar:

NM_000179.3(MSH6):c.3831C>A (p.Asp1277Glu)

Gene: MSH6 (mutS homolog 6; plus strand). Cytogenetic location: 2p16.3.
Variant type: single nucleotide variant.
Coding change: c.3831C>A on transcript NM_000179.3 (MANE Select); coding-DNA position 3831, C replaced by A.
Protein change: p.Asp1277Glu; replaces aspartic acid 1277 with glutamic acid.
Molecular consequence: missense variant.
Genome position (GRCh38, 1-based): chr2:47,806,481, C>A. VCF-style: chr2-47806481-C-A. GRCh37 (hg19) VCF-style: chr2-48033620-C-A.
Other names: c.3441C>A, p.Asp1147Glu (NM_001281492.2); c.2925C>A, p.Asp975Glu (NM_001281493.2, NM_001281494.2); short protein forms D975E, D1147E, D1277E.
Identifiers: ClinVar variation 666860 (VCV000666860.6), dbSNP rs775752224, ClinGen allele CA346761275.
Genomic context (GRCh38, chr2:47,806,481, plus strand): 5'-ACATGTATCGCTAATATTTTTCTTTCTTAAGGCATGCATGGTAGAAAATGAATGTGAAGA[C>A]CCCAGCCAGGAGACTATTACGTTCCTCTATAAATTCATTAAGGGAGCTTGTCCTAAAAGC-3'
Protein context (NP_000170.1, residues 1267-1287): MACMVENECE[Asp1277Glu]PSQETITFLY

ClinVar aggregate classification (germline): Uncertain significance. Review status: criteria provided, multiple submitters, no conflicts (2 of 4 stars). 2 submissions from 2 submitters: Uncertain significance (2). Last evaluated 2024-09-05.

Conditions:
Hereditary nonpolyposis colorectal neoplasms. Identifiers: MedGen C0009405, MeSH D003123.

Submissions (2):

Labcorp Genetics (formerly Invitae), Labcorp
Classification: Uncertain significance for Hereditary nonpolyposis colorectal neoplasms. Last evaluated: 2024-09-05. Review status: criteria provided, single submitter. Criteria: Invitae Variant Classification Sherloc (09022015). Collection method: clinical testing. Allele origin: germline.
Comment: This sequence change replaces aspartic acid, which is acidic and polar, with glutamic acid, which is acidic and polar, at codon 1277 of the MSH6 protein (p.Asp1277Glu). This variant is not present in population databases (gnomAD no frequency). This variant has not been reported in the literature in individuals affected with MSH6-related conditions. ClinVar contains an entry for this variant (Variation ID: 666860). Invitae Evidence Modeling of protein sequence and biophysical properties (such as structural, functional, and spatial information, amino acid conservation, physicochemical variation, residue mobility, and thermodynamic stability) indicates that this missense variant is not expected to disrupt MSH6 protein function with a negative predictive value of 95%. In summary, the available evidence is currently insufficient to determine the role of this variant in disease. Therefore, it has been classified as a Variant of Uncertain Significance.

Laboratory for Molecular Medicine, Mass General Brigham Personalized Medicine
Classification: Uncertain significance. Last evaluated: 2018-10-16. Review status: criteria provided, single submitter. Criteria: LMM Criteria. Collection method: clinical testing. Allele origin: germline. Observed: 1 variant allele.
Comment: The p.Asp1277Glu variant in MSH6 has not been reported in individuals with MSH6- associated cancers or in large population databases. Computational prediction to ols and conservation analysis suggest that the p.Asp1277Glu variant may impact t he protein. In summary, the clinical significance of the p.Asp1277Glu variant is uncertain. ACMG/AMP Criteria applied: PM2, PP3.